The following is an entry in ClinVar:

ClinVar aggregate classification (germline): Pathogenic. Review status: criteria provided, multiple submitters, no conflicts (2 of 4 stars). 4 submissions from 4 submitters: Pathogenic (2). 2 of the submissions do not count toward it. Last evaluated 2026-04-02.

Conditions:
MPZ-related Charcot-Marie-Tooth.
Charcot-Marie-Tooth disease, type I (CMT1). Also called: Charcot-Marie-Tooth disease type 1; Charcot-Marie-Tooth, Type 1. Identifiers: Orphanet 65753, MedGen C0751036, MONDO:0019011.
Charcot-Marie-Tooth disease. Also called: Charcot-Marie-Tooth Neuropathy; Charcot-Marie-Tooth Hereditary Neuropathy. Identifiers: Orphanet 166, MedGen C0007959, MONDO:0015626.
Charcot-Marie-Tooth disease type 1B. Also called: CHARCOT-MARIE-TOOTH DISEASE, AUTOSOMAL DOMINANT, WITH FOCALLY FOLDED MYELIN SHEATHS, TYPE 1B; CHARCOT-MARIE-TOOTH DISEASE, SLOW NERVE CONDUCTION TYPE, LINKED TO DUFFY; CHARCOT-MARIE-TOOTH NEUROPATHY, TYPE 1B; HEREDITARY MOTOR AND SENSORY NEUROPATHY I; HEREDITARY MOTOR AND SENSORY NEUROPATHY IB; Charcot-Marie-Tooth disease, demyelinating, type 1b. Identifiers: Orphanet 101082, MedGen C0270912, MONDO:0007307, OMIM 118200.

Submissions (4):

Clinical Genetics Laboratory, Region Ostergotland
Classification: Pathogenic for MPZ-related Charcot-Marie-Tooth. Last evaluated: 2026-04-02. Review status: criteria provided, single submitter. Criteria: ACMG Guidelines, 2015. Collection method: clinical testing. Allele origin: germline. Affected: yes.
Comment: The REVEL-score for this variant is 0.827 and the variant is located in a mutational hot spot and/or critical and well-established functional domain without benign variation (PMID:26310628). A different missense variant in the same amino acid (NM_000530.8(MPZ):c.487G>C) was found to segregate with disease amongst kindred with a distinct CMT phenotype (PMID:30920665). The variant is not found in population database (no frequency gnomAD v4.1.1. (non-UKB)) and has been identified in affected patients (PMID:8800924, PMID:34232518). The following ACMG/AMP criteria were applied in classifying this variant as Pathogenic: PM2_supporting, PM1, PP3_moderate, PS1, PS4_supporting

Labcorp Genetics (formerly Invitae), Labcorp
Classification: Pathogenic for Charcot-Marie-Tooth disease, type I. Last evaluated: 2023-06-30. Review status: criteria provided, single submitter. Criteria: Invitae Variant Classification Sherloc (09022015). Collection method: clinical testing. Allele origin: germline.
Comment: Advanced modeling of protein sequence and biophysical properties (such as structural, functional, and spatial information, amino acid conservation, physicochemical variation, residue mobility, and thermodynamic stability) performed at Invitae indicates that this missense variant is expected to disrupt MPZ protein function. For these reasons, this variant has been classified as Pathogenic. This sequence change replaces glycine, which is neutral and non-polar, with arginine, which is basic and polar, at codon 163 of the MPZ protein (p.Gly163Arg). This variant is not present in population databases (gnomAD no frequency). This missense change has been observed in individuals with Charcot-Marie-Tooth type 1 (CMT1) (PMID: 8800924, 12207932, 15170620, 27088055). It has also been observed to segregate with disease in related individuals. ClinVar contains an entry for this variant (Variation ID: 208148).

GeneReviews
No classification provided. Condition: Charcot-Marie-Tooth disease type 1B. Review status: no classification provided. Collection method: literature only. Allele origin: germline. Affected: yes. Not counted in ClinVar's aggregate classification.

Inherited Neuropathy Consortium
Classification: Uncertain significance for Charcot-Marie-Tooth disease. Review status: no assertion criteria provided. Collection method: literature only. Allele origin: germline. Affected: yes. Not counted in ClinVar's aggregate classification.

Literature cited by the submitters: PubMed 8800924 (cited by 3 submitters); PubMed 34232518 (cited by Clinical Genetics Laboratory, Region Ostergotland); PubMed 30920665 (cited by Clinical Genetics Laboratory, Region Ostergotland); PubMed 26310628 (cited by Clinical Genetics Laboratory, Region Ostergotland); PubMed 12207932 (cited by Labcorp Genetics (formerly Invitae), Labcorp); PubMed 15170620 (cited by Labcorp Genetics (formerly Invitae), Labcorp); PubMed 27088055 (cited by Labcorp Genetics (formerly Invitae), Labcorp); NCBI Bookshelf NBK1205 (cited by GeneReviews).

NM_000530.8(MPZ):c.487G>A (p.Gly163Arg)

Gene: MPZ (myelin protein zero; minus strand). Cytogenetic location: 1q23.3.
Variant type: single nucleotide variant.
Coding change: c.487G>A on transcript NM_000530.8 (MANE Select); coding-DNA position 487, G replaced by A.
Protein change: p.Gly163Arg; replaces glycine 163 with arginine.
Molecular consequence: missense variant.
Genome position (GRCh38, 1-based): chr1:161,306,426, C>T on the plus strand (G>A on the coding strand, the complement: MPZ is on the minus strand). VCF-style: chr1-161306426-C-T. GRCh37 (hg19) VCF-style: chr1-161276216-C-T.
Other names: c.487G>A, p.Gly163Arg (NM_001315491.2, LRG_256t1); short protein forms G163R.
Identifiers: ClinVar variation 208148 (VCV000208148.13), dbSNP rs281865128, ClinGen allele CA347390.
Genomic context (GRCh38, chr1:161,306,426, plus strand): 5'-AGCAGTACCGAACCACGTAGAAAAGCAGCAGCAGCAACAGCACCACCCCGAGGACACCCC[C>T]GATCACAGCTCCCAGAACGACCCCGTACCTAGTTGGCACTAGGAGGGGTGGGAAAAGAAG-3'
Protein context (NP_000521.2, residues 153-173): RYGVVLGAVI[Gly163Arg]GVLGVVLLLL